The following is an entry in ClinVar:

ClinVar aggregate classification (germline): Uncertain significance (1 of 4 stars; one submission).

Conditions:
Familial cold autoinflammatory syndrome 2 (FCAS2). Identifiers: Orphanet 247868, MedGen C2673198, MONDO:0012724, OMIM 611762.

Allele frequency attached by ClinVar (database versions not stated): TOPMed below 0.00001; gnomAD 0.00001.
gnomAD v4.1: 3 of 1,613,976 alleles (0.00019%); highest among the groups gnomAD compares: African/African-American, 0.004%; no homozygotes.

Submission:

Labcorp Genetics (formerly Invitae), Labcorp
Classification: Uncertain significance for Familial cold autoinflammatory syndrome 2. Last evaluated: 2023-10-13. Review status: criteria provided, single submitter. Criteria: Invitae Variant Classification Sherloc (09022015). Collection method: clinical testing. Allele origin: germline.
Comment: This sequence change replaces cysteine, which is neutral and slightly polar, with tyrosine, which is neutral and polar, at codon 580 of the NLRP12 protein (p.Cys580Tyr). This variant is present in population databases (no rsID available, gnomAD 0.01%). This variant has not been reported in the literature in individuals affected with NLRP12-related conditions. ClinVar contains an entry for this variant (Variation ID: 1469233). Advanced modeling of protein sequence and biophysical properties (such as structural, functional, and spatial information, amino acid conservation, physicochemical variation, residue mobility, and thermodynamic stability) performed at Invitae indicates that this missense variant is not expected to disrupt NLRP12 protein function. In summary, the available evidence is currently insufficient to determine the role of this variant in disease. Therefore, it has been classified as a Variant of Uncertain Significance.

NM_144687.4(NLRP12):c.1739G>A (p.Cys580Tyr)

Gene: NLRP12 (NLR family pyrin domain containing 12; minus strand). Cytogenetic location: 19q13.42.
Variant type: single nucleotide variant.
Coding change: c.1739G>A on transcript NM_144687.4 (MANE Select); coding-DNA position 1739, G replaced by A.
Protein change: p.Cys580Tyr; replaces cysteine 580 with tyrosine.
Molecular consequence: missense variant.
Genome position (GRCh38, 1-based): chr19:53,809,920, C>T on the plus strand (G>A on the coding strand, the complement: NLRP12 is on the minus strand). VCF-style: chr19-53809920-C-T. GRCh37 (hg19) VCF-style: chr19-54313174-C-T.
Other names: c.1739G>A, p.Cys580Tyr (NM_001277126.2, NM_001277129.1); short protein forms C580Y.
Identifiers: ClinVar variation 1469233 (VCV001469233.8), dbSNP rs774065257, ClinGen allele CA407412785.
Genomic context (GRCh38, chr19:53,809,920, plus strand): 5'-TGAGCTTTGCTTTGGATCCACTGCAACAGGTCCATCTTGATGTGCGGCGAGACCTTCCAG[C>T]AGAGACTCTTCTCCAGGTGGCTCCTGGTCTCCTCGTTCAGGAGTCCAAACAGGAAGCGGC-3'
Protein context (NP_653288.1, residues 570-590): ETRSHLEKSL[Cys580Tyr]WKVSPHIKMD